The following is an entry in ClinVar:

NM_020163.3(SEMA3G):c.945G>A (p.Leu315=)

Gene: SEMA3G (semaphorin 3G; minus strand). Cytogenetic location: 3p21.1.
Variant type: single nucleotide variant.
Coding change: c.945G>A on transcript NM_020163.3 (MANE Select); coding-DNA position 945, G replaced by A.
Protein change: p.Leu315=; no amino-acid change (leucine 315 retained).
Molecular consequence: synonymous variant.
Genome position (GRCh38, 1-based): chr3:52,440,807, C>T on the plus strand (G>A on the coding strand, the complement: SEMA3G is on the minus strand). VCF-style: chr3-52440807-C-T. GRCh37 (hg19) VCF-style: chr3-52474823-C-T.
Identifiers: ClinVar variation 5001914 (VCV005001914.1).

ClinVar aggregate classification (germline): Likely benign (1 of 4 stars; one submission).

Conditions:
SEMA3G-related disorder. Also called: SEMA3G-related condition.

Submission:

PreventionGenetics, part of Exact Sciences
Classification: Likely benign for SEMA3G-related condition. Last evaluated: 2025-08-04. Review status: criteria provided, single submitter. Criteria: ACMG Guidelines, 2015. Collection method: clinical testing. Allele origin: germline.
Comment: This variant is classified as likely benign based on ACMG/AMP sequence variant interpretation guidelines (Richards et al. 2015 PMID: 25741868, with internal and published modifications).